The following is an entry in ClinVar:

NM_004115.4(FGF14):c.736ACA[1] (p.Thr247del)

Gene: FGF14 (fibroblast growth factor 14; minus strand). Cytogenetic location: 13q33.1.
Variant type: Microsatellite.
Coding change: c.736ACA[1] on transcript NM_004115.4 (MANE Select); one copy of the 3-base unit ACA starting at c.736; the reference has two copies in a row; one copy, 3 bases deleted; also written c.739_741del.
Protein change: p.Thr247del; deletes threonine 247.
Molecular consequence: inframe deletion.
Genome position (GRCh38, 1-based): chr13:101,722,834-101,722,836, TGT deleted on the plus strand (ACA on the coding strand, the reverse complement: FGF14 is on the minus strand); deleting any 3 consecutive bases within chr13:101,722,834-101,722,839 gives the same sequence; the position shown is the placement nearest the transcript's 3' end. VCF-style (leftmost placement, unchanged base first): chr13-101722833-ATGT-A. GRCh37 (hg19) VCF-style: chr13-102375183-ATGT-A.
Other names: c.484ACA[1], p.Thr163del (NM_001321931.1, NM_001321934.1, NM_001321935.1 and 4 more transcripts); c.547ACA[1], p.Thr184del (NM_001321932.1, NM_001321936.1, NM_001321944.1); c.556ACA[1], p.Thr187del (NM_001321933.1, NM_001321938.2, NM_001321940.1); c.640ACA[1], p.Thr215del (NM_001321939.2); c.550ACA[1], p.Thr185del (NM_001321941.2); c.634ACA[1], p.Thr213del (NM_001321945.2, NM_001321948.2, NM_001379342.1); c.595ACA[1], p.Thr200del (NM_001321947.2); c.751ACA[1], p.Thr252del (NM_175929.3); and 1 more; short protein forms T187del, T213del, T184del, T247del, T163del, T185del, T200del, T215del.
Identifiers: ClinVar variation 5005215 (VCV005005215.2).

ClinVar aggregate classification (germline): Uncertain significance (1 of 4 stars; one submission).

Conditions:
Spinocerebellar ataxia 27B, late-onset (SCA27B). Also called: GAA-FGF14-Related Ataxia. Identifiers: Orphanet 675216, MedGen C5774278, MONDO:0859340, OMIM 620174.
Spinocerebellar ataxia 27A. Also called: VESTIBULOCEREBELLAR DISORDER WITH PREDOMINANT OCULAR SIGNS. Identifiers: MedGen CN031884, MONDO:0008654, OMIM 193003.

Submission:

Juno Genomics, Hangzhou Juno Genomics, Inc
Classification: Uncertain significance for Spinocerebellar ataxia 27A; Spinocerebellar ataxia 27B, late-onset. Review status: criteria provided, single submitter. Criteria: ACMG Guidelines, 2015. Collection method: clinical testing. Allele origin: germline.
Comment: Absent from controls (or at extremely low frequency if recessive) in Genome Aggregation Database.;Protein length changes due to in-frame deletions/insertions in a non-repeat region or stop-loss variants.